The following is an entry in ClinVar:

ClinVar aggregate classification (germline): Uncertain significance (1 of 4 stars; one submission).

gnomAD v4.1: 1 of 1,614,070 alleles (0.000062%); highest among the groups gnomAD compares: East Asian, 0.0022%; no homozygotes.

Submission:

Labcorp Genetics (formerly Invitae), Labcorp
Classification: Uncertain significance. Last evaluated: 2025-06-01. Review status: criteria provided, single submitter. Criteria: Invitae Variant Classification Sherloc (09022015). Collection method: clinical testing. Allele origin: germline.
Comment: This sequence change replaces aspartic acid, which is acidic and polar, with histidine, which is basic and polar, at codon 166 of the C1S protein (p.Asp166His). This variant is not present in population databases (gnomAD no frequency). This variant has not been reported in the literature in individuals affected with C1S-related conditions. An algorithm developed to predict the effect of missense changes on protein structure and function (PolyPhen-2) suggests that this variant is likely to be disruptive. In summary, the available evidence is currently insufficient to determine the role of this variant in disease. Therefore, it has been classified as a Variant of Uncertain Significance.

NM_001734.5(C1S):c.496G>C (p.Asp166His)

Gene: C1S (complement C1s; plus strand). Cytogenetic location: 12p13.31.
Variant type: single nucleotide variant.
Coding change: c.496G>C on transcript NM_001734.5 (MANE Select); coding-DNA position 496, G replaced by C.
Protein change: p.Asp166His; replaces aspartic acid 166 with histidine.
Molecular consequence: missense variant. On other transcripts: 5 prime UTR variant (1).
Genome position (GRCh38, 1-based): chr12:7,064,371, G>C. VCF-style: chr12-7064371-G-C. GRCh37 (hg19) VCF-style: chr12-7171675-G-C.
Other names: c.-6G>C (NM_001346850.2); c.496G>C, p.Asp166His (NM_201442.4); short protein forms D166H.
Identifiers: ClinVar variation 4773541 (VCV004773541.1).
Genomic context (GRCh38, chr12:7,064,371, plus strand): 5'-TTCTGCAACAATTTCATTGGTGGTTACTTCTGCTCCTGCCCCCCGGAATATTTCCTCCAT[G>C]ATGACATGAAGAATTGCGGAGGTGAGCTTGGTGTTAAGAGGGTTGCATGTTCCCTGGGAT-3'
Protein context (NP_001725.1, residues 156-176): CSCPPEYFLH[Asp166His]DMKNCGVNCS